The following is an entry in ClinVar:

ClinVar aggregate classification (germline): Conflicting classifications of pathogenicity. Review status: criteria provided, conflicting classifications (1 of 4 stars). 9 submissions from 9 submitters: Uncertain significance (1); Likely benign (7). 1 of the submissions does not count toward it. Last evaluated 2025-10-19.

Conditions:
Classic or attenuated familial adenomatous polyposis. Identifiers: MedGen CN372698, MONDO:0021057.
Familial adenomatous polyposis 1 (FAP1). Also called: FAMILIAL ADENOMATOUS POLYPOSIS 1, ATTENUATED; POLYPOSIS, ADENOMATOUS INTESTINAL. Identifiers: MedGen C2713442, MONDO:0021056, OMIM 175100. Disease mechanism: loss of function.
Hereditary cancer-predisposing syndrome. Also called: Neoplastic Syndromes, Hereditary; Tumor predisposition; Hereditary Cancer Syndrome; Hereditary neoplastic syndrome. Identifiers: Orphanet 140162, MedGen C0027672, MeSH D009386, MONDO:0015356.

Allele frequency attached by ClinVar (database versions not stated): TOPMed below 0.00001; ExAC 0.00001; gnomAD 0.00001; gnomAD exomes 0.00002.
gnomAD v4.1: 23 of 1,609,864 alleles (0.0014%); highest among the groups gnomAD compares: Middle Eastern, 0.05%; no homozygotes.

Submissions (9):

Labcorp Genetics (formerly Invitae), Labcorp
Classification: Likely benign for Familial adenomatous polyposis 1. Last evaluated: 2025-10-19. Review status: criteria provided, single submitter. Criteria: Invitae Variant Classification Sherloc (09022015). Collection method: clinical testing. Allele origin: germline.

Center for Genomic Medicine, Rigshospitalet, Copenhagen University Hospital
Classification: Likely benign. Last evaluated: 2025-03-04. Review status: criteria provided, single submitter. Criteria: ACMG Guidelines, 2015. Collection method: clinical testing. Allele origin: germline.

Blueprint Genetics
Classification: Likely benign. Last evaluated: 2024-08-02. Review status: criteria provided, single submitter. Criteria: ACMG Guidelines, 2015. Collection method: clinical testing. Allele origin: germline.

All of Us Research Program, National Institutes of Health
Classification: Likely benign for Classic or attenuated familial adenomatous polyposis. Last evaluated: 2023-10-02. Review status: criteria provided, single submitter. Criteria: ACMG Guidelines, 2015. Collection method: clinical testing. Allele origin: germline. Inheritance: Autosomal dominant inheritance. Observed: 1 variant allele, 1 heterozygote.
Comment: This study involves interpretation of variants in research participants for the purpose of population health screening. Participant phenotype was not available at the time of variant classification. Additional details can be found in publication PMID: 35346344, PMCID: PMC8962531

KCCC/NGS Laboratory, Kuwait Cancer Control Center
Classification: Likely benign for Familial adenomatous polyposis 1. Last evaluated: 2023-07-07. Review status: criteria provided, single submitter. Criteria: ACMG Guidelines, 2015. Collection method: clinical testing. Allele origin: germline. Affected: yes.

Myriad Genetics, Inc.
Classification: Uncertain significance for Familial adenomatous polyposis 1. Last evaluated: 2023-02-14. Review status: criteria provided, single submitter. Criteria: Myriad Autosomal Dominant, Autosomal Recessive and X-Linked Classification Criteria (2023). Collection method: clinical testing. Allele origin: unknown.
Comment: This variant is classified as a variant of uncertain significance as there is insufficient evidence to determine its impact on protein function and/or cancer risk.

Color Diagnostics, LLC DBA Color Health
Classification: Likely benign for Hereditary cancer-predisposing syndrome. Last evaluated: 2017-05-07. Review status: criteria provided, single submitter. Criteria: ACMG Guidelines, 2015. Collection method: clinical testing. Allele origin: germline.

GeneDx
Classification: Likely benign. Last evaluated: 2016-01-29. Review status: criteria provided, single submitter. Criteria: GeneDx Variant Classification (06012015). Collection method: clinical testing. Allele origin: germline. Affected: yes.
Comment: This variant is considered likely benign or benign based on one or more of the following criteria: it is a conservative change, it occurs at a poorly conserved position in the protein, it is predicted to be benign by multiple in silico algorithms, and/or has population frequency not consistent with disease.

Counsyl
Classification: Likely benign for Familial adenomatous polyposis 1. Last evaluated: 2018-05-14. Review status: no assertion criteria provided. Collection method: clinical testing. Allele origin: unknown. Not counted in ClinVar's aggregate classification.

NM_000038.6(APC):c.1744-14C>A

Gene: APC (APC regulator of Wnt signaling pathway; plus strand). Cytogenetic location: 5q22.2.
Variant type: single nucleotide variant.
Coding change: c.1744-14C>A on transcript NM_000038.6 (MANE Select); 14 bases into the intron before coding-DNA position 1744, C replaced by A.
Molecular consequence: intron variant.
Genome position (GRCh38, 1-based): chr5:112,834,937, C>A. VCF-style: chr5-112834937-C-A. GRCh37 (hg19) VCF-style: chr5-112170634-C-A.
Other names: c.1744-14C>A (NM_001354895.2, NM_001127510.3); c.1774-14C>A (NM_001354897.2); c.1471-14C>A (NM_001354902.2); c.1690-14C>A (NM_001127511.3); c.1669-14C>A (NM_001354898.2); c.1366-14C>A (NM_001354904.2); c.895-14C>A (NM_001354906.2); c.1798-14C>A (NM_001354896.2); and 5 more.
Identifiers: ClinVar variation 383468 (VCV000383468.16), dbSNP rs761403505, ClinGen allele CA029374.